The following is an entry in ClinVar:

NM_001127222.2(CACNA1A):c.6037C>A (p.Pro2013Thr)

Gene: CACNA1A (calcium voltage-gated channel subunit alpha1 A; minus strand). Cytogenetic location: 19p13.13.
Variant type: single nucleotide variant.
Coding change: c.6037C>A on transcript NM_001127222.2 (MANE Select); coding-DNA position 6037, C replaced by A.
Protein change: p.Pro2013Thr; replaces proline 2013 with threonine.
Molecular consequence: missense variant.
Genome position (GRCh38, 1-based): chr19:13,212,644, G>T on the plus strand (C>A on the coding strand, the complement: CACNA1A is on the minus strand). VCF-style: chr19-13212644-G-T. GRCh37 (hg19) VCF-style: chr19-13323458-G-T.
Other names: c.6055C>A, p.Pro2019Thr (NM_000068.4, NM_023035.3); c.6040C>A, p.Pro2014Thr (NM_001127221.2); c.6046C>A, p.Pro2016Thr (NM_001174080.2); short protein forms P2013T, P2014T, P2016T, P2019T.
Identifiers: ClinVar variation 3367770 (VCV003367770.2).

ClinVar aggregate classification (germline): Uncertain significance (1 of 4 stars; one submission).

Submission:

GeneDx
Classification: Uncertain significance. Last evaluated: 2026-01-07. Review status: criteria provided, single submitter. Criteria: GeneDx Variant Classification Process June 2021. Collection method: clinical testing. Allele origin: germline.
Comment: Not observed at significant frequency in large population cohorts (gnomAD); In silico analysis supports that this missense variant has a deleterious effect on protein structure/function; Has not been previously published as pathogenic or benign to our knowledge